The following is an entry in ClinVar:

NM_001267550.2(TTN):c.71990del (p.Phe23997fs)

Genes: TTN (titin; minus strand), TTN-AS1 (TTN antisense RNA 1; plus strand). Cytogenetic location: 2q31.2.
Variant type: Deletion.
Coding change: c.71990del on transcript NM_001267550.2 (MANE Select); coding-DNA position 71990, one base deleted (T; older notation c.71990delT).
Protein change: p.Phe23997fs; shifts the reading frame from phenylalanine 23997.
Molecular consequence: frameshift variant.
Genome position (GRCh38, 1-based): chr2:178,574,142, A deleted on the plus strand (T on the coding strand, the reverse complement: TTN is on the minus strand); the first of 2 consecutive A bases (chr2:178,574,142-178,574,143); deleting either gives the same sequence. VCF-style (leftmost placement, unchanged base first): chr2-178574141-GA-G. GRCh37 (hg19) VCF-style: chr2-179438868-GA-G.
Other names: c.67067del, p.Phe22356fs (NM_001256850.1); c.44795del, p.Phe14932fs (NM_003319.4); c.64286del, p.Phe21429fs (NM_133378.4); c.45170del, p.Phe15057fs (NM_133432.3); c.45371del, p.Phe15124fs (NM_133437.4); short protein forms F15124fs, F14932fs, F15057fs, F21429fs, F22356fs, F23997fs.
Identifiers: ClinVar variation 2951754 (VCV002951754.3), dbSNP rs2468615003, ClinGen allele CA2740096017.
Genomic context (GRCh38, chr2:178,574,141, plus strand): 5'-AGCATCAGATGGCTCAGATGGTGGACTGATGGCACCTGCAGCATTTTTGGCGATCACACG[GA>G]ATTCATATGCAGCATCTTCTGTTAGGCCACTGACTGTAAATTCATTCTCCAAAATGTTGC-3'

ClinVar aggregate classification (germline): Likely pathogenic (1 of 4 stars; one submission).

Conditions:
Dilated cardiomyopathy 1G (CMD1G). Identifiers: Orphanet 154, MedGen C1858763, MONDO:0011400, OMIM 604145.
Autosomal recessive limb-girdle muscular dystrophy type 2J (LGMDR10). Also called: Limb-girdle muscular dystrophy, type 2J; MUSCULAR DYSTROPHY, LIMB-GIRDLE, AUTOSOMAL RECESSIVE 10. Identifiers: Orphanet 140922, MedGen C1837342, MONDO:0012127, OMIM 608807.

Submission:

Labcorp Genetics (formerly Invitae), Labcorp
Classification: Likely pathogenic for Dilated cardiomyopathy 1G; Autosomal recessive limb-girdle muscular dystrophy type 2J. Last evaluated: 2023-09-08. Review status: criteria provided, single submitter. Criteria: Invitae Variant Classification Sherloc (09022015). Collection method: clinical testing. Allele origin: germline.
Comment: In summary, the currently available evidence indicates that the variant is pathogenic, but additional data are needed to prove that conclusively. Therefore, this variant has been classified as Likely Pathogenic. This variant is located in the A band of TTN (PMID: 25589632). Truncating variants in this region are significantly overrepresented in patients affected with dilated cardiomyopathy (PMID: 25589632). Truncating variants in this region have also been reported in individuals affected with autosomal recessive centronuclear myopathy (PMID: 23975875). This variant has not been reported in the literature in individuals affected with TTN-related conditions. This variant is not present in population databases (gnomAD no frequency). This sequence change creates a premature translational stop signal (p.Phe23997Serfs*3) in the TTN gene. While this is not anticipated to result in nonsense mediated decay, it is expected to create a truncated TTN protein.

Literature cited by the submitters: PubMed 25589632; PubMed 23975875.